The following is an entry in ClinVar:

ClinVar aggregate classification (germline): Likely pathogenic. Review status: criteria provided, multiple submitters, no conflicts (2 of 4 stars). 3 submissions from 3 submitters: Likely pathogenic (2). 1 of the submissions does not count toward it. Last evaluated 2024-06-21.

Conditions:
Joubert syndrome 7 (JBTS7). Identifiers: Orphanet 220497, MedGen C1969053, MONDO:0012694, OMIM 611560.
COACH syndrome 3. Identifiers: MedGen C5436841, MONDO:0030862, OMIM 619113.
Meckel syndrome, type 5 (MKS5). Identifiers: Orphanet 564, MedGen C1969052, MONDO:0012695, OMIM 611561.
Meckel-Gruber syndrome. Also called: Dysencephalia splachnocystica; DYSENCEPHALIA SPLANCHNOCYSTICA; GRUBER SYNDROME. Identifiers: Orphanet 564, MedGen C0265215, MONDO:0018921.
Joubert syndrome. Also called: Familial aplasia of the vermis; CEREBELLOPARENCHYMAL DISORDER IV; JOUBERT-BOLTSHAUSER SYNDROME. Identifiers: Orphanet 475, MedGen C5979921, MONDO:0018772.

Allele frequency attached by ClinVar (database versions not stated): gnomAD exomes below 0.00001.

Submissions (3):

Fulgent Genetics
Classification: Likely pathogenic for Joubert syndrome 7; Meckel syndrome, type 5; COACH syndrome 3. Last evaluated: 2024-06-21. Review status: criteria provided, single submitter. Criteria: ACMG Guidelines, 2015. Collection method: clinical testing. Allele origin: germline.

Labcorp Genetics (formerly Invitae), Labcorp
Classification: Likely pathogenic for Joubert syndrome; Meckel-Gruber syndrome. Last evaluated: 2021-03-04. Review status: criteria provided, single submitter. Criteria: Invitae Variant Classification Sherloc (09022015). Collection method: clinical testing. Allele origin: germline.
Comment: In summary, the currently available evidence indicates that the variant is pathogenic, but additional data are needed to prove that conclusively. Therefore, this variant has been classified as Likely Pathogenic. Algorithms developed to predict the effect of sequence changes on RNA splicing suggest that this variant may disrupt the consensus splice site, but this prediction has not been confirmed by published transcriptional studies. This variant has not been reported in the literature in individuals with RPGRIP1L-related conditions. ClinVar contains an entry for this variant (Variation ID: 934583). This variant is not present in population databases (ExAC no frequency). This sequence change affects donor splice site in intron 24 of the RPGRIP1L gene. It is expected to disrupt RNA splicing. Variants that disrupt the donor or acceptor splice site typically lead to a loss of protein function (PMID: 16199547), and loss-of-function variants in RPGRIP1L are known to be pathogenic (PMID: 17558409).

Natera, Inc.
Classification: Likely pathogenic for Joubert syndrome. Last evaluated: 2020-11-04. Review status: no assertion criteria provided. Collection method: clinical testing. Allele origin: germline. Not counted in ClinVar's aggregate classification.

Literature cited by the submitters: PubMed 16199547 (cited by Labcorp Genetics (formerly Invitae), Labcorp); PubMed 17558409 (cited by Labcorp Genetics (formerly Invitae), Labcorp).

NM_015272.5(RPGRIP1L):c.3616+2del

Gene: RPGRIP1L (RPGRIP1 like; minus strand). Cytogenetic location: 16q12.2.
Variant type: Deletion.
Coding change: c.3616+2del on transcript NM_015272.5 (MANE Select); the canonical splice donor site of the intron after coding-DNA position 3616, one base deleted (T; older notation c.3616+2delT).
Molecular consequence: splice donor variant.
Genome position (GRCh38, 1-based): chr16:53,619,023, A deleted on the plus strand (T on the coding strand, the reverse complement: RPGRIP1L is on the minus strand). VCF-style (leftmost placement, unchanged base first): chr16-53619022-TA-T. GRCh37 (hg19) VCF-style: chr16-53652934-TA-T.
Other names: c.3376+2del (NM_001127897.4); c.3514+2del (NM_001330538.2); c.3478+2del (NM_001308334.3).
Identifiers: ClinVar variation 934583 (VCV000934583.12), dbSNP rs1964549329, ClinGen allele CA1139664684.